The following is an entry in ClinVar:

ClinVar aggregate classification (germline): Benign. Review status: criteria provided, multiple submitters, no conflicts (2 of 4 stars). 9 submissions from 9 submitters: Benign (7). 2 of the submissions do not count toward it. Last evaluated 2026-02-02.

Conditions:
Oculotrichoanal syndrome (MOTA). Also called: MARLES SYNDROME; Manitoba Oculotrichoanal (MOTA) Syndrome. Identifiers: Orphanet 2717, MedGen C1855425, MONDO:0009560, OMIM 248450.

Allele frequency attached by ClinVar (database versions not stated): 1000 Genomes Project 30x 0.13304; 1000 Genomes Project 0.13738; TOPMed 0.14210; gnomAD 0.14468 and 0.14696; ESP Exome Variant Server 0.14535; ExAC 0.17022; gnomAD exomes 0.17441.
gnomAD v4.1: 298,606 of 1,611,672 alleles (19%); highest among the groups gnomAD compares: East Asian, 22%; 29,266 homozygotes.

Submissions (9):

Labcorp Genetics (formerly Invitae), Labcorp
Classification: Benign. Last evaluated: 2026-02-02. Review status: criteria provided, single submitter. Criteria: Invitae Variant Classification Sherloc (09022015). Collection method: clinical testing. Allele origin: germline.

Blueprint Genetics
Classification: Benign. Last evaluated: 2024-11-27. Review status: criteria provided, single submitter. Criteria: ACMG Guidelines, 2015. Collection method: clinical testing. Allele origin: germline.

Mayo Clinic Laboratories, Mayo Clinic
Classification: Benign. Last evaluated: 2022-03-09. Review status: criteria provided, single submitter. Criteria: ACMG Guidelines, 2015. Collection method: clinical testing. Allele origin: germline. Observed: 23 variant alleles.

GeneDx
Classification: Benign. Last evaluated: 2021-05-04. Review status: criteria provided, single submitter. Criteria: GeneDx Variant Classification Process June 2021. Collection method: clinical testing. Allele origin: germline. Affected: yes.

Illumina Laboratory Services, Illumina
Classification: Benign for Oculotrichoanal syndrome. Last evaluated: 2018-01-13. Review status: criteria provided, single submitter. Criteria: ICSL Variant Classification Criteria 13 December 2019. Collection method: clinical testing. Allele origin: germline.
Comment: This variant was observed in the ICSL laboratory as part of a predisposition screen in an ostensibly healthy population. It had not been previously curated by ICSL or reported in the Human Gene Mutation Database (HGMD: prior to June 1st, 2018), and was therefore a candidate for classification through an automated scoring system. Utilizing variant allele frequency, disease prevalence and penetrance estimates, and inheritance mode, an automated score was calculated to assess if this variant is too frequent to cause the disease. Based on the score and internal cut-off values, a variant classified as benign is not then subjected to further curation. The score for this variant resulted in a classification of benign for this disease.

Breakthrough Genomics
Classification: Benign. Review status: criteria provided, single submitter. Criteria: ACMG Guidelines, 2015. Collection method: not provided. Allele origin: germline. Inheritance: Autosomal recessive inheritance. Affected: yes.

PreventionGenetics, part of Exact Sciences
Classification: Benign. Review status: criteria provided, single submitter. Criteria: ACMG Guidelines, 2015. Collection method: clinical testing. Allele origin: germline.

Diagnostic Laboratory, Department of Genetics, University Medical Center Groningen
Classification: Benign. Review status: no assertion criteria provided. Collection method: clinical testing. Allele origin: germline. Affected: yes. Study: VKGL Data-share Consensus. Not counted in ClinVar's aggregate classification.

Genome Diagnostics Laboratory, University Medical Center Utrecht
Classification: Benign. Review status: no assertion criteria provided. Collection method: clinical testing. Allele origin: germline. Affected: yes. Study: VKGL Data-share Consensus. Not counted in ClinVar's aggregate classification.

NM_001379081.2(FREM1):c.5859T>C (p.Val1953=)

Gene: FREM1 (FRAS1 related extracellular matrix 1; minus strand). Cytogenetic location: 9p22.3.
Variant type: single nucleotide variant.
Coding change: c.5859T>C on transcript NM_001379081.2 (MANE Select); coding-DNA position 5859, T replaced by C.
Protein change: p.Val1953=; no amino-acid change (valine 1953 retained).
Molecular consequence: synonymous variant. On other transcripts: non-coding transcript variant (3).
Genome position (GRCh38, 1-based): chr9:14,747,414, A>G on the plus strand (T>C on the coding strand, the complement: FREM1 is on the minus strand). VCF-style: chr9-14747414-A-G. GRCh37 (hg19) VCF-style: chr9-14747412-A-G.
Other names: p.Val1953=; c.1467T>C, p.Val489= (NM_001177704.3, NM_001370061.2); c.1317T>C, p.Val439= (NM_001370058.2); c.5859T>C, p.Val1953= (NM_144966.7).
Identifiers: ClinVar variation 262544 (VCV000262544.22), dbSNP rs4741426, ClinGen allele CA4989626.